The following is an entry in ClinVar:

NM_002334.4(LRP4):c.2112C>T (p.Asp704=)

Gene: LRP4 (LDL receptor related protein 4; minus strand). Cytogenetic location: 11p11.2.
Variant type: single nucleotide variant.
Coding change: c.2112C>T on transcript NM_002334.4 (MANE Select); coding-DNA position 2112, C replaced by T.
Protein change: p.Asp704=; no amino-acid change (aspartic acid 704 retained).
Molecular consequence: synonymous variant.
Genome position (GRCh38, 1-based): chr11:46,889,514, G>A on the plus strand (C>T on the coding strand, the complement: LRP4 is on the minus strand). VCF-style: chr11-46889514-G-A. GRCh37 (hg19) VCF-style: chr11-46911065-G-A.
Identifiers: ClinVar variation 879577 (VCV000879577.15), dbSNP rs140757594, ClinGen allele CA5969977.

ClinVar aggregate classification (germline): Conflicting classifications of pathogenicity. Review status: criteria provided, conflicting classifications (1 of 4 stars). 4 submissions from 4 submitters: Uncertain significance (1); Likely benign (2). 1 of the submissions does not count toward it. Last evaluated 2025-09-15.

Conditions:
Cenani-Lenz syndactyly syndrome. Also called: CENANI SYNDACTYLISM; SYNDACTYLY, TYPE VII. Identifiers: Orphanet 3258, MedGen C1859309, MONDO:0008931, OMIM 212780.
LRP4-related disorder. Also called: LRP4-related condition.
Sclerosteosis 2 (SOST2). Identifiers: Orphanet 3152, MedGen C3280402, MONDO:0013679, OMIM 614305.
Congenital myasthenic syndrome 17. Identifiers: Orphanet 590, MedGen C4225377, MONDO:0014578, OMIM 616304.

Allele frequency attached by ClinVar (database versions not stated): ExAC 0.00007; gnomAD 0.00008 and 0.00009; gnomAD exomes 0.00008 and 0.00011; TOPMed 0.00011; ESP Exome Variant Server 0.00015.
gnomAD v4.1: 168 of 1,613,890 alleles (0.01%); highest among the groups gnomAD compares: Non-Finnish European, 0.013%; no homozygotes.

Submissions (4):

Labcorp Genetics (formerly Invitae), Labcorp
Classification: Likely benign for Cenani-Lenz syndactyly syndrome; Sclerosteosis 2; Congenital myasthenic syndrome 17. Last evaluated: 2025-09-15. Review status: criteria provided, single submitter. Criteria: Invitae Variant Classification Sherloc (09022015). Collection method: clinical testing. Allele origin: germline.

Blueprint Genetics
Classification: Likely benign. Last evaluated: 2020-05-14. Review status: criteria provided, single submitter. Criteria: ACMG Guidelines, 2015. Collection method: clinical testing. Allele origin: germline.

Illumina Laboratory Services, Illumina
Classification: Uncertain significance for Cenani-Lenz syndactyly syndrome. Last evaluated: 2018-01-12. Review status: criteria provided, single submitter. Criteria: ICSL Variant Classification Criteria 13 December 2019. Collection method: clinical testing. Allele origin: germline.

PreventionGenetics, part of Exact Sciences
Classification: Likely benign for LRP4-related condition. Last evaluated: 2020-02-04. Review status: no assertion criteria provided. Collection method: clinical testing. Allele origin: germline. Not counted in ClinVar's aggregate classification.
Comment: This variant is classified as likely benign based on ACMG/AMP sequence variant interpretation guidelines (Richards et al. 2015 PMID: 25741868, with internal and published modifications).